The following is an entry in ClinVar:

ClinVar aggregate classification (germline): Conflicting classifications of pathogenicity. Review status: criteria provided, conflicting classifications (1 of 4 stars). 3 submissions from 3 submitters: Likely pathogenic (1); Uncertain significance (2). Last evaluated 2026-07-01.

Conditions:
Glycogen storage disease, type II (IOPD). Also called: Pompe Disease; CARDIOMEGALIA GLYCOGENICA DIFFUSA; GLYCOGENOSIS, GENERALIZED, CARDIAC FORM; GSD II; POMPE DISEASE, INFANTILE-ONSET; GLYCOGEN STORAGE DISEASE II, INFANTILE-ONSET. Identifiers: Orphanet 365, MedGen C0017921, MONDO:0009290, OMIM 232300.

Submissions (3):

Genomenon, Inc
Classification: Uncertain significance for Glycogen storage disease, type II. Last evaluated: 2026-07-01. Review status: criteria provided, single submitter. Criteria: Genomenon Sequence Variant Interpretation Standards - Updated. Collection method: curation. Allele origin: germline. Affected: yes.
Comment: GAA p.Arg89Leu (c.266G>T) is a missense variant that changes the amino acid at codon 89 from Arginine to Leucine. This variant has been observed in at least one proband with a GAA-related disorder (PMID:34357340). The presence of pathogenic/likely pathogenic missense variant(s) at the same amino acid position indicates that this residue is likely important for protein function. It is absent or not present at a significant frequency in gnomAD. In silico models predict that this variant is possibly or probably damaging. In conclusion, we classify GAA p.Arg89Leu (c.266G>T) as a variant of uncertain significance.

Myriad Genetics, Inc.
Classification: Uncertain significance for Glycogen storage disease, type II. Last evaluated: 2026-05-06. Review status: criteria provided, single submitter. Criteria: Myriad Autosomal Dominant, Autosomal Recessive and X-Linked Classification Criteria (2023). Collection method: clinical testing. Allele origin: unknown.
Comment: NM_000152.3(GAA):c.266G>T(R89L) is a missense variant classified as a variant of uncertain significance in the context of Pompe disease. R89L has been observed in a case with relevant disease (PMID: 34357340). Relevant functional assessments of this variant are not available in the literature. R89L has not been observed in referenced population frequency databases. In summary, there is insufficient evidence to classify NM_000152.3(GAA):c.266G>T(R89L) as pathogenic or benign. Please note: this variant was assessed in the context of healthy population screening.

Labcorp Genetics (formerly Invitae), Labcorp
Classification: Likely pathogenic for Glycogen storage disease, type II. Last evaluated: 2023-08-22. Review status: criteria provided, single submitter. Criteria: Invitae Variant Classification Sherloc (09022015). Collection method: clinical testing. Allele origin: germline.
Comment: This variant disrupts the p.Arg89 amino acid residue in GAA. Other variant(s) that disrupt this residue have been determined to be pathogenic (PMID: 25626711). This suggests that this residue is clinically significant, and that variants that disrupt this residue are likely to be disease-causing. This sequence change replaces arginine, which is basic and polar, with leucine, which is neutral and non-polar, at codon 89 of the GAA protein (p.Arg89Leu). This variant is not present in population databases (gnomAD no frequency). This variant has not been reported in the literature in individuals affected with GAA-related conditions. Advanced modeling of protein sequence and biophysical properties (such as structural, functional, and spatial information, amino acid conservation, physicochemical variation, residue mobility, and thermodynamic stability) performed at Invitae indicates that this missense variant is expected to disrupt GAA protein function. In summary, the currently available evidence indicates that the variant is pathogenic, but additional data are needed to prove that conclusively. Therefore, this variant has been classified as Likely Pathogenic.

Literature cited by the submitters: PubMed 34357340 (cited by Genomenon, Inc and Myriad Genetics, Inc.); PubMed 25626711 (cited by Labcorp Genetics (formerly Invitae), Labcorp).

NM_000152.5(GAA):c.266G>T (p.Arg89Leu)

Gene: GAA (alpha glucosidase; plus strand). Cytogenetic location: 17q25.3.
Variant type: single nucleotide variant.
Coding change: c.266G>T on transcript NM_000152.5 (MANE Select); coding-DNA position 266, G replaced by T.
Protein change: p.Arg89Leu; replaces arginine 89 with leucine.
Molecular consequence: missense variant.
Genome position (GRCh38, 1-based): chr17:80,104,852, G>T. VCF-style: chr17-80104852-G-T. GRCh37 (hg19) VCF-style: chr17-78078651-G-T.
Other names: c.266G>T, p.Arg89Leu (NM_001079803.3, NM_001079804.3, NM_001406741.1 and 1 more transcripts); short protein forms R89L.
Identifiers: ClinVar variation 2754338 (VCV002754338.5), dbSNP rs200586324, ClinGen allele CA401360570.